The following is an entry in ClinVar:

ClinVar aggregate classification (germline): Conflicting classifications of pathogenicity. Review status: criteria provided, conflicting classifications (1 of 4 stars). 5 submissions from 5 submitters: Uncertain significance (2); Likely benign (2). 1 of the submissions does not count toward it. Last evaluated 2025-12-22.

Conditions:
Inborn genetic diseases. Identifiers: MedGen C0950123, MeSH D030342.
Glycogen storage disease type X (GSD10). Also called: Dimauro disease; MYOPATHY DUE TO PHOSPHOGLYCERATE MUTASE DEFICIENCY; PGAMM DEFICIENCY; PHOSPHOGLYCERATE MUTASE, MUSCLE, DEFICIENCY OF; GSD X; Glycogen storage disease due to phosphoglycerate mutase deficiency. Identifiers: Orphanet 97234, MedGen C0268149, MONDO:0009865, OMIM 261670.
PGAM2-related disorder. Also called: PGAM2-related condition.

Allele frequency attached by ClinVar (database versions not stated): ExAC 0.00021; TOPMed 0.00022; ESP Exome Variant Server 0.00031.
gnomAD v4.1: 346 of 1,607,438 alleles (0.022%); highest among the groups gnomAD compares: Non-Finnish European, 0.014%; no homozygotes.

Submissions (5):

Labcorp Genetics (formerly Invitae), Labcorp
Classification: Likely benign for Glycogen storage disease type X. Last evaluated: 2025-12-22. Review status: criteria provided, single submitter. Criteria: Invitae Variant Classification Sherloc (09022015). Collection method: clinical testing. Allele origin: germline.

Mayo Clinic Laboratories, Mayo Clinic
Classification: Likely benign. Last evaluated: 2025-05-20. Review status: criteria provided, single submitter. Criteria: ACMG Guidelines, 2015. Collection method: clinical testing. Allele origin: germline. Observed: 2 variant alleles.
Comment: BS1, BP4_moderate

Ambry Genetics
Classification: Uncertain significance for Inborn genetic diseases. Last evaluated: 2022-03-16. Review status: criteria provided, single submitter. Criteria: Ambry Variant Classification Scheme 2023. Collection method: clinical testing. Allele origin: germline.

Illumina Laboratory Services, Illumina
Classification: Uncertain significance for Glycogen storage disease type X. Last evaluated: 2018-01-12. Review status: criteria provided, single submitter. Criteria: ICSL Variant Classification Criteria 13 December 2019. Collection method: clinical testing. Allele origin: germline.

PreventionGenetics, part of Exact Sciences
Classification: Likely benign for PGAM2-related condition. Last evaluated: 2020-12-16. Review status: no assertion criteria provided. Collection method: clinical testing. Allele origin: germline. Not counted in ClinVar's aggregate classification.
Comment: This variant is classified as likely benign based on ACMG/AMP sequence variant interpretation guidelines (Richards et al. 2015 PMID: 25741868, with internal and published modifications).

NM_000290.4(PGAM2):c.455C>T (p.Thr152Ile)

Genes: DBNL (drebrin like; plus strand), PGAM2 (phosphoglycerate mutase 2; minus strand). Cytogenetic location: 7p13.
Variant type: single nucleotide variant.
Coding change: c.455C>T on transcript NM_000290.4 (MANE Select); coding-DNA position 455, C replaced by T.
Protein change: p.Thr152Ile; replaces threonine 152 with isoleucine.
Molecular consequence: missense variant. On other transcripts: 3 prime UTR variant (6).
Genome position (GRCh38, 1-based): chr7:44,064,972, G>A on the plus strand (C>T on the coding strand, the complement: PGAM2 is on the minus strand). VCF-style: chr7-44064972-G-A. GRCh37 (hg19) VCF-style: chr7-44104571-G-A.
Other names: p.Thr152Ile; c.*4056G>A (NM_001014436.3, NM_001122956.2, NM_001284313.2 and 3 more transcripts); short protein forms T152I.
Identifiers: ClinVar variation 911382 (VCV000911382.17), dbSNP rs199869174, ClinGen allele CA4236564.